The following is an entry in ClinVar:

NM_001365536.1(SCN9A):c.4520G>A (p.Cys1507Tyr)

Genes: SCN1A-AS1 (SCN1A and SCN9A antisense RNA 1; plus strand), SCN9A (sodium voltage-gated channel alpha subunit 9; minus strand). Cytogenetic location: 2q24.3.
Variant type: single nucleotide variant.
Coding change: c.4520G>A on transcript NM_001365536.1 (MANE Select); coding-DNA position 4520, G replaced by A.
Protein change: p.Cys1507Tyr; replaces cysteine 1507 with tyrosine.
Molecular consequence: missense variant.
Genome position (GRCh38, 1-based): chr2:166,204,209, C>T on the plus strand (G>A on the coding strand, the complement: SCN9A is on the minus strand). VCF-style: chr2-166204209-C-T. GRCh37 (hg19) VCF-style: chr2-167060719-C-T.
Other names: c.4487G>A, p.Cys1496Tyr (NM_002977.4); short protein forms C1496Y, C1507Y.
Identifiers: ClinVar variation 3758909 (VCV003758909.2).

ClinVar aggregate classification (germline): Uncertain significance (1 of 4 stars; one submission).

Conditions:
Neuropathy, hereditary sensory and autonomic, type 2A (HSAN2A). Also called: ACROOSTEOLYSIS, GIACCAI TYPE; ACROOSTEOLYSIS, NEUROGENIC; WNK1-Related HSAN2 (HSAN2A); MORVAN DISEASE; NEUROPATHY, CONGENITAL SENSORY; NEUROPATHY, HEREDITARY SENSORY RADICULAR, AUTOSOMAL RECESSIVE. Identifiers: Orphanet 970, MedGen C2752089, MONDO:0024309, OMIM 201300.
Generalized epilepsy with febrile seizures plus, type 7 (GEFSP7). Also called: GEFS+, TYPE 7. Identifiers: Orphanet 36387, MedGen C2751778, MONDO:0013470, OMIM 613863.

Submission:

Labcorp Genetics (formerly Invitae), Labcorp
Classification: Uncertain significance for Neuropathy, hereditary sensory and autonomic, type 2A; Generalized epilepsy with febrile seizures plus, type 7. Last evaluated: 2025-01-06. Review status: criteria provided, single submitter. Criteria: Invitae Variant Classification Sherloc (09022015). Collection method: clinical testing. Allele origin: germline.
Comment: This sequence change replaces cysteine, which is neutral and slightly polar, with tyrosine, which is neutral and polar, at codon 1496 of the SCN9A protein (p.Cys1496Tyr). This variant is not present in population databases (gnomAD no frequency). This variant has not been reported in the literature in individuals affected with SCN9A-related conditions. Invitae Evidence Modeling of protein sequence and biophysical properties (such as structural, functional, and spatial information, amino acid conservation, physicochemical variation, residue mobility, and thermodynamic stability) indicates that this missense variant is not expected to disrupt SCN9A protein function with a negative predictive value of 95%. In summary, the available evidence is currently insufficient to determine the role of this variant in disease. Therefore, it has been classified as a Variant of Uncertain Significance.